The following is an entry in ClinVar:

ClinVar aggregate classification (germline): Uncertain significance (1 of 4 stars; one submission).

Allele frequency attached by ClinVar (database versions not stated): gnomAD exomes below 0.00001; TOPMed below 0.00001.
gnomAD v4.1: 2 of 1,539,754 alleles (0.00013%); highest among the groups gnomAD compares: Non-Finnish European, 0.00017%; no homozygotes.

Submission:

Labcorp Genetics (formerly Invitae), Labcorp
Classification: Uncertain significance. Last evaluated: 2022-03-22. Review status: criteria provided, single submitter. Criteria: Invitae Variant Classification Sherloc (09022015). Collection method: clinical testing. Allele origin: germline.
Comment: This sequence change replaces isoleucine, which is neutral and non-polar, with valine, which is neutral and non-polar, at codon 211 of the GFM2 protein (p.Ile211Val). This variant is not present in population databases (gnomAD no frequency). This variant has not been reported in the literature in individuals affected with GFM2-related conditions. In summary, the available evidence is currently insufficient to determine the role of this variant in disease. Therefore, it has been classified as a Variant of Uncertain Significance. Algorithms developed to predict the effect of missense changes on protein structure and function are either unavailable or do not agree on the potential impact of this missense change (SIFT: "Tolerated"; PolyPhen-2: "Probably Damaging"; Align-GVGD: "Class C0").

NM_032380.5(GFM2):c.631A>G (p.Ile211Val)

Gene: GFM2 (GTP dependent ribosome recycling factor mitochondrial 2; minus strand). Cytogenetic location: 5q13.3.
Variant type: single nucleotide variant.
Coding change: c.631A>G on transcript NM_032380.5 (MANE Select); coding-DNA position 631, A replaced by G.
Protein change: p.Ile211Val; replaces isoleucine 211 with valine.
Molecular consequence: missense variant. On other transcripts: non-coding transcript variant (1).
Genome position (GRCh38, 1-based): chr5:74,746,143, T>C on the plus strand (A>G on the coding strand, the complement: GFM2 is on the minus strand). VCF-style: chr5-74746143-T-C. GRCh37 (hg19) VCF-style: chr5-74041968-T-C.
Other names: c.727A>G, p.Ile243Val (NM_001281302.2); c.631A>G, p.Ile211Val (NM_170681.3, NM_170691.3); short protein forms I211V, I243V.
Identifiers: ClinVar variation 1426681 (VCV001426681.8), dbSNP rs956018389, ClinGen allele CA120922466.
Genomic context (GRCh38, chr5:74,746,143, plus strand): 5'-CTGATGCTATTAACCAATTTACCTGTAAAAGCAAAGGCTTTGCCTTTAACTTCTCTCTGA[T>C]GCTTTCAACTGCATACTTAAAGCTGTAGAAAGCAAAATAATTATAGTTAAAAACATGGTT-3'
Protein context (NP_115756.2, residues 201-221): GASFKYAVES[Ile211Val]REKLKAKPLL